The following is an entry in ClinVar:

ClinVar aggregate classification (germline): Uncertain significance. Review status: criteria provided, multiple submitters, no conflicts (2 of 4 stars). 5 submissions from 5 submitters: Uncertain significance (5). Last evaluated 2025-05-22.

Conditions:
Hypertrophic cardiomyopathy. Also called: HYPERTROPHIC MYOCARDIOPATHY. Identifiers: Orphanet 217569, MedGen C0007194, MeSH D002312, MONDO:0005045, HP:0001639.
Hypertrophic cardiomyopathy 8. Also called: MYL3-Related Familial Hypertrophic Cardiomyopathy; CARDIOMYOPATHY, HYPERTROPHIC, MID-LEFT VENTRICULAR CHAMBER TYPE, 1. Identifiers: MedGen C1837471, MONDO:0012111, OMIM 608751.
Cardiomyopathy (CMYO). Also called: Cardiomyopathies. Identifiers: Orphanet 167848, MedGen C0878544, MONDO:0004994, HP:0001638. Inheritance: Various modes of inheritance.

Allele frequency attached by ClinVar (database versions not stated): ExAC 0.00001; gnomAD 0.00001; gnomAD exomes 0.00001; TOPMed 0.00002; ESP Exome Variant Server 0.00008.
gnomAD v4.1: 6 of 1,613,938 alleles (0.00037%); highest among the groups gnomAD compares: Non-Finnish European, 0.00042%; no homozygotes.

Submissions (5):

Labcorp Genetics (formerly Invitae), Labcorp
Classification: Uncertain significance for Hypertrophic cardiomyopathy. Last evaluated: 2025-05-22. Review status: criteria provided, single submitter. Criteria: Invitae Variant Classification Sherloc (09022015). Collection method: clinical testing. Allele origin: germline.
Comment: This sequence change replaces glutamic acid, which is acidic and polar, with alanine, which is neutral and non-polar, at codon 186 of the MYL3 protein (p.Glu186Ala). This variant is present in population databases (rs374329098, gnomAD 0.002%). This variant has not been reported in the literature in individuals affected with MYL3-related conditions. ClinVar contains an entry for this variant (Variation ID: 1172131). An algorithm developed to predict the effect of missense changes on protein structure and function (PolyPhen-2) suggests that this variant is likely to be tolerated. In summary, the available evidence is currently insufficient to determine the role of this variant in disease. Therefore, it has been classified as a Variant of Uncertain Significance.

Fulgent Genetics
Classification: Uncertain significance for Hypertrophic cardiomyopathy 8. Last evaluated: 2024-06-05. Review status: criteria provided, single submitter. Criteria: ACMG Guidelines, 2015. Collection method: clinical testing. Allele origin: germline.

All of Us Research Program, National Institutes of Health
Classification: Uncertain significance for Hypertrophic cardiomyopathy. Last evaluated: 2023-08-28. Review status: criteria provided, single submitter. Criteria: ACMG Guidelines, 2015. Collection method: clinical testing. Allele origin: germline. Inheritance: Autosomal dominant inheritance. Observed: 2 variant alleles, 2 heterozygotes.
Comment: This missense variant replaces glutamic acid with alanine at codon 186 of the MYL3 protein. Computational prediction suggests that this variant may have deleterious impact on protein structure and function (internally defined REVEL score threshold >= 0.7, PMID: 27666373). To our knowledge, functional studies have not been reported for this variant. This variant has been reported in two individuals from a cohort of participants that were not pre-selected for a personal or family history of cardiovascular disorders (PMID: 22958901). This variant has been identified in 2/251322 chromosomes in the general population by the Genome Aggregation Database (gnomAD). The available evidence is insufficient to determine the role of this variant in disease conclusively. Therefore, this variant is classified as a Variant of Uncertain Significance.

This study involves interpretation of variants in research participants for the purpose of population health screening. Participant phenotype was not available at the time of variant classification. Additional details can be found in publication PMID: 35346344, PMCID: PMC8962531

Color Diagnostics, LLC DBA Color Health
Classification: Uncertain significance for Cardiomyopathy. Last evaluated: 2023-06-14. Review status: criteria provided, single submitter. Criteria: ACMG Guidelines, 2015. Collection method: clinical testing. Allele origin: germline.
Comment: This missense variant replaces glutamic acid with alanine at codon 186 of the MYL3 protein. Computational prediction suggests that this variant may have deleterious impact on protein structure and function (internally defined REVEL score threshold >= 0.7, PMID: 27666373). To our knowledge, functional studies have not been reported for this variant. This variant has been reported in two individuals from a cohort of participants that were not pre-selected for a personal or family history of cardiovascular disorders (PMID: 22958901). This variant has been identified in 2/251322 chromosomes in the general population by the Genome Aggregation Database (gnomAD). The available evidence is insufficient to determine the role of this variant in disease conclusively. Therefore, this variant is classified as a Variant of Uncertain Significance.

CeGaT Center for Human Genetics Tuebingen
Classification: Uncertain significance. Last evaluated: 2023-02-01. Review status: criteria provided, single submitter. Criteria: CeGaT Center For Human Genetics Tuebingen Variant Classification Criteria Version 2. Collection method: clinical testing. Allele origin: germline. Affected: yes. Observed: 1 variant allele.

Literature cited by the submitters: PubMed 22958901 (cited by All of Us Research Program, National Institutes of Health and Color Diagnostics, LLC DBA Color Health).

NM_000258.3(MYL3):c.557A>C (p.Glu186Ala)

Gene: MYL3 (myosin light chain 3; minus strand). Cytogenetic location: 3p21.31.
Variant type: single nucleotide variant.
Coding change: c.557A>C on transcript NM_000258.3 (MANE Select); coding-DNA position 557, A replaced by C.
Protein change: p.Glu186Ala; replaces glutamic acid 186 with alanine.
Molecular consequence: missense variant.
Genome position (GRCh38, 1-based): chr3:46,858,386, T>G on the plus strand (A>C on the coding strand, the complement: MYL3 is on the minus strand). VCF-style: chr3-46858386-T-G. GRCh37 (hg19) VCF-style: chr3-46899876-T-G.
Other names: short protein forms E186A.
Identifiers: ClinVar variation 1172131 (VCV001172131.38), dbSNP rs374329098, ClinGen allele CA044753.
Genomic context (GRCh38, chr3:46,858,386, plus strand): 5'-TGGGAGCCTGGGTCCCAGCACTCCCCTCCCAGAAGACCCCTGCCCCTGCTGAGCCCACCT[T>G]CATAGTTGATGCAGCCATTGGAGTCCTCTTGCCCAGCCATCAACTTCTCCACTTCGTCTT-3'
Protein context (NP_000249.1, residues 176-195): QEDSNGCINY[Glu186Ala]AFVKHIMSS